The following is an entry in ClinVar:

NM_005061.3(RPL3L):c.322G>A (p.Glu108Lys)

Gene: RPL3L (ribosomal protein L3 like; minus strand). Cytogenetic location: 16p13.3.
Variant type: single nucleotide variant.
Coding change: c.322G>A on transcript NM_005061.3 (MANE Select); coding-DNA position 322, G replaced by A.
Protein change: p.Glu108Lys; replaces glutamic acid 108 with lysine.
Molecular consequence: missense variant.
Genome position (GRCh38, 1-based): chr16:1,952,917, C>T on the plus strand (G>A on the coding strand, the complement: RPL3L is on the minus strand). VCF-style: chr16-1952917-C-T. GRCh37 (hg19) VCF-style: chr16-2002918-C-T.
Other names: short protein forms E108K.
Identifiers: ClinVar variation 2547971 (VCV002547971.3), dbSNP rs761735308, ClinGen allele CA7822986.

ClinVar aggregate classification (germline): Uncertain significance. Review status: criteria provided, multiple submitters, no conflicts (2 of 4 stars). 2 submissions from 2 submitters: Uncertain significance (2). Last evaluated 2025-04-25.

Allele frequency attached by ClinVar (database versions not stated): gnomAD exomes below 0.00001; ExAC 0.00001; gnomAD 0.00001; TOPMed 0.00001.
gnomAD v4.1: 4 of 1,613,912 alleles (0.00025%); highest among the groups gnomAD compares: East Asian, 0.0089%; no homozygotes.

Submissions (2):

GeneDx
Classification: Uncertain significance. Last evaluated: 2025-04-25. Review status: criteria provided, single submitter. Criteria: GeneDx Variant Classification Process June 2021. Collection method: clinical testing. Allele origin: germline. Affected: yes.
Comment: In silico analysis supports that this missense variant has a deleterious effect on protein structure/function; Has not been previously published as pathogenic or benign to our knowledge

Ambry Genetics
Classification: Uncertain significance. Last evaluated: 2023-05-17. Review status: criteria provided, single submitter. Criteria: Ambry Variant Classification Scheme 2023. Collection method: clinical testing. Allele origin: germline.